The following is an entry in ClinVar:

NM_004370.6(COL12A1):c.7140G>A (p.Thr2380=)

Genes: COL12A1 (collagen type XII alpha 1 chain; minus strand), LOC126859712 (MED14-independent group 3 enhancer GRCh37_chr6:75828643-75829842; plus strand). Cytogenetic location: 6q13.
Variant type: single nucleotide variant.
Coding change: c.7140G>A on transcript NM_004370.6 (MANE Select); coding-DNA position 7140, G replaced by A.
Protein change: p.Thr2380=; no amino-acid change (threonine 2380 retained).
Molecular consequence: synonymous variant.
Genome position (GRCh38, 1-based): chr6:75,119,420, C>T on the plus strand (G>A on the coding strand, the complement: COL12A1 is on the minus strand). VCF-style: chr6-75119420-C-T. GRCh37 (hg19) VCF-style: chr6-75829136-C-T.
Other names: c.3648G>A, p.Thr1216= (NM_080645.3).
Identifiers: ClinVar variation 704712 (VCV000704712.20), dbSNP rs200230227, ClinGen allele CA3892634.

ClinVar aggregate classification (germline): Benign/Likely benign. Review status: criteria provided, multiple submitters, no conflicts (2 of 4 stars). 4 submissions from 4 submitters: Benign (1); Likely benign (3). Last evaluated 2026-01-28.

Conditions:
Ullrich congenital muscular dystrophy 2 (UCMD2). Identifiers: Orphanet 75840, MedGen C4225314, MONDO:0014654, OMIM 616470.
Bethlem myopathy 2 (BTHLM2). Identifiers: Orphanet 536516, Orphanet 610, MedGen C4225313, MONDO:0034022, OMIM 616471.

Allele frequency attached by ClinVar (database versions not stated): gnomAD exomes 0.00018; ExAC 0.00027; gnomAD 0.00069 and 0.00071; TOPMed 0.00080; ESP Exome Variant Server 0.00099; 1000 Genomes Project 0.00120; 1000 Genomes Project 30x 0.00125.
gnomAD v4.1: 220 of 1,613,922 alleles (0.014%); highest among the groups gnomAD compares: African/African-American, 0.23%; no homozygotes.

Submissions (4):

Labcorp Genetics (formerly Invitae), Labcorp
Classification: Benign for Bethlem myopathy 2; Ullrich congenital muscular dystrophy 2. Last evaluated: 2026-01-28. Review status: criteria provided, single submitter. Criteria: Invitae Variant Classification Sherloc (09022015). Collection method: clinical testing. Allele origin: germline.

CeGaT Center for Human Genetics Tuebingen
Classification: Likely benign. Last evaluated: 2025-11-01. Review status: criteria provided, single submitter. Criteria: CeGaT Center For Human Genetics Tuebingen Variant Classification Criteria Version 2. Collection method: clinical testing. Allele origin: germline. Affected: yes. Observed: 1 variant allele.
Comment: COL12A1: BP4, BP7

Women's Health and Genetics/Laboratory Corporation of America, LabCorp
Classification: Likely benign. Last evaluated: 2025-09-26. Review status: criteria provided, single submitter. Criteria: LabCorp Variant Classification Summary - May 2015. Collection method: clinical testing. Allele origin: germline.

GeneDx
Classification: Likely benign. Last evaluated: 2021-10-01. Review status: criteria provided, single submitter. Criteria: GeneDx Variant Classification Process June 2021. Collection method: clinical testing. Allele origin: germline. Affected: yes.